The following is an entry in ClinVar:

NM_001365902.3(NFIX):c.60_75dup (p.Phe26fs)

Gene: NFIX (nuclear factor I X; plus strand). Cytogenetic location: 19p13.13.
Variant type: Duplication.
Coding change: c.60_75dup on transcript NM_001365902.3 (MANE Select); coding-DNA positions 60 to 75, 16 bases duplicated (GCCTCACGTCCGCGCT).
Protein change: p.Phe26fs; shifts the reading frame from phenylalanine 26.
Molecular consequence: frameshift variant. On other transcripts: 5 prime UTR variant (1).
Genome position (GRCh38, 1-based): chr19:13,025,053-13,025,068, GCCTCACGTCCGCGCT duplicated; duplicating any 16 consecutive bases within chr19:13,025,050-13,025,068 gives the same sequence; the c. name uses the placement nearest the transcript's 3' end. VCF-style (leftmost placement, unchanged base first): chr19-13025049-T-TGCTGCCTCACGTCCGC. GRCh37 (hg19) VCF-style: chr19-13135863-T-TGCTGCCTCACGTCCGC.
Other names: c.36_51dup, p.Phe18fs (NM_001271044.3, NM_001378404.1); c.60_75dup, p.Phe26fs (NM_001365982.2, NM_002501.4); c.-82_-67dup (NM_001365983.2); c.57_72dup, p.Phe25fs (NM_001365984.2, NM_001365985.2); c.108_123dup, p.Phe42fs (NM_001378405.1); c.84_99dup, p.Phe34fs (NM_001271043.2); short protein forms F18fs, F25fs, F26fs, F42fs, F34fs.
Identifiers: ClinVar variation 842270 (VCV000842270.3), dbSNP rs2013218777, ClinGen allele CA916083686.

ClinVar aggregate classification (germline): Pathogenic (1 of 4 stars; one submission).

Conditions:
Marshall-Smith syndrome (MRSHSS). Identifiers: Orphanet 561, MedGen C0265211, MONDO:0011244, OMIM 602535.
Malan overgrowth syndrome (MALNS). Also called: MALAN SYNDROME; NFIX-Related Malan Syndrome; Sotos syndrome 2. Identifiers: Orphanet 420179, MedGen C3553660, MONDO:0013885, OMIM 614753.

Submission:

Labcorp Genetics (formerly Invitae), Labcorp
Classification: Pathogenic for Malan overgrowth syndrome; Marshall-Smith syndrome. Last evaluated: 2019-05-25. Review status: criteria provided, single submitter. Criteria: Invitae Variant Classification Sherloc (09022015). Collection method: clinical testing. Allele origin: germline.
Comment: This sequence change creates a premature translational stop signal (p.Phe34Alafs*25) in the NFIX gene. It is expected to result in an absent or disrupted protein product. This variant is not present in population databases (ExAC no frequency). This variant has not been reported in the literature in individuals with NFIX-related conditions. Loss-of-function variants in NFIX are known to be pathogenic (PMID: 24924640, 20673863, 20949508,¬†25118028). For these reasons, this variant has been classified as Pathogenic.

Literature cited by the submitters: PubMed 24924640; PubMed 20673863; PubMed 20949508.